The following is an entry in ClinVar:

NM_001035.3(RYR2):c.6301G>A (p.Ala2101Thr)

Gene: RYR2 (ryanodine receptor 2; plus strand). Cytogenetic location: 1q43.
Variant type: single nucleotide variant.
Coding change: c.6301G>A on transcript NM_001035.3 (MANE Select); coding-DNA position 6301, G replaced by A.
Protein change: p.Ala2101Thr; replaces alanine 2101 with threonine.
Molecular consequence: missense variant.
Genome position (GRCh38, 1-based): chr1:237,627,941, G>A. VCF-style: chr1-237627941-G-A. GRCh37 (hg19) VCF-style: chr1-237791241-G-A.
Other names: short protein forms A2101T.
Identifiers: ClinVar variation 4758960 (VCV004758960.1).

ClinVar aggregate classification (germline): Uncertain significance (1 of 4 stars; one submission).

Conditions:
Cardiomyopathy (CMYO). Also called: Cardiomyopathies. Identifiers: Orphanet 167848, MedGen C0878544, MONDO:0004994, HP:0001638. Inheritance: Various modes of inheritance.

gnomAD v4.1: 1 of 1,613,830 alleles (0.000062%); highest among the groups gnomAD compares: Non-Finnish European, 0.000085%; no homozygotes.

Submission:

Color Diagnostics, LLC DBA Color Health
Classification: Uncertain significance for Cardiomyopathy. Last evaluated: 2025-09-09. Review status: criteria provided, single submitter. Criteria: ACMG Guidelines, 2015. Collection method: clinical testing. Allele origin: germline.
Comment: This missense variant replaces alanine with threonine at codon 2101 of the RYR2 protein. Computational prediction suggests that this variant may have deleterious impact on protein structure and function. To our knowledge, functional studies have not been reported for this variant. This variant has been reported in an individual affected with unspecified cardiac disease (PMID: 33954932). This variant has not been identified in the general population by the Genome Aggregation Database (gnomAD). The available evidence is insufficient to determine the role of this variant in disease conclusively. Therefore, this variant is classified as a Variant of Uncertain Significance.

Literature cited by the submitters: PubMed 33954932.